The following is an entry in ClinVar:

NM_002249.6(KCNN3):c.200AGC[22] (p.Gln73_Gln80dup)

Gene: KCNN3 (potassium calcium-activated channel subfamily N member 3; minus strand). Cytogenetic location: 1q21.3.
Variant type: Microsatellite.
Coding change: c.200AGC[22] on transcript NM_002249.6 (MANE Select); 22 copies in a row of the 3-base unit AGC starting at c.200; the reference has 14 copies in a row; eight copies, 24 bases duplicated.
Protein change: p.Gln73_Gln80dup.
Molecular consequence: inframe insertion.
Genome position (GRCh38, 1-based): chr1:154,869,724-154,869,747, GCTGCTGCTGCTGCTGCTGCTGCT duplicated on the plus strand (AGCAGCAGCAGCAGCAGCAGCAGC on the coding strand, the reverse complement: KCNN3 is on the minus strand); duplicating any 24 consecutive bases within chr1:154,869,724-154,869,766 gives the same sequence; the position shown is the placement nearest the transcript's 3' end. VCF-style (leftmost placement, unchanged base first): chr1-154869723-G-GGCTGCTGCTGCTGCTGCTGCTGCT. GRCh37 (hg19) VCF-style: chr1-154842199-G-GGCTGCTGCTGCTGCTGCTGCTGCT.
Other names: c.200AGC[22], p.Gln73_Gln80dup (NM_001204087.2); c.218_241dup24 (NM_001204087.1).
Identifiers: ClinVar variation 1685406 (VCV001685406.5), dbSNP rs3831942, ClinGen allele CA889598041.

ClinVar aggregate classification (germline): Benign/Likely benign. Review status: criteria provided, multiple submitters, no conflicts (2 of 4 stars). 4 submissions from 4 submitters: Benign (1); Likely benign (2). 1 of the submissions does not count toward it. Last evaluated 2025-02-16.

Conditions:
KCNN3-related disorder. Also called: KCNN3-related condition.

Submissions (4):

Laboratory of Genetics, Children's Clinical University Hospital Latvia
Classification: Likely benign. Last evaluated: 2025-02-16. Review status: criteria provided, single submitter. Criteria: ACMG Guidelines, 2015. Collection method: clinical testing. Allele origin: germline. Affected: yes.

Blueprint Genetics
Classification: Likely benign. Last evaluated: 2024-11-26. Review status: criteria provided, single submitter. Criteria: ACMG Guidelines, 2015. Collection method: clinical testing. Allele origin: germline.

Mendelics
Classification: Benign. Last evaluated: 2022-05-04. Review status: criteria provided, single submitter. Criteria: Mendelics Assertion Criteria 2019. Collection method: clinical testing. Allele origin: germline.

PreventionGenetics, part of Exact Sciences
Classification: Likely benign for KCNN3-related condition. Last evaluated: 2023-04-25. Review status: no assertion criteria provided. Collection method: clinical testing. Allele origin: germline. Not counted in ClinVar's aggregate classification.
Comment: This variant is classified as likely benign based on ACMG/AMP sequence variant interpretation guidelines (Richards et al. 2015 PMID: 25741868, with internal and published modifications).